The following is an entry in ClinVar:

ClinVar aggregate classification (germline): Likely pathogenic (1 of 4 stars; one submission).

Conditions:
Spermatogenic failure 33. Identifiers: MedGen C4748395, MONDO:0029147, OMIM 618152.

Submission:

First Genomix Gene Laboratory, Genetic Diagnostics Department
Classification: Likely pathogenic for Spermatogenic failure 33. Last evaluated: 2025-03-21. Review status: criteria provided, single submitter. Criteria: ACMG Guidelines, 2015. Collection method: clinical testing. Allele origin: germline. Inheritance: Autosomal recessive inheritance. Affected: no. Observed: 1 variant allele.

NM_144668.6(CFAP251):c.1304dup (p.Leu436fs)

Gene: CFAP251 (cilia and flagella associated protein 251; plus strand). Cytogenetic location: 12q24.31.
Variant type: Duplication.
Coding change: c.1304dup on transcript NM_144668.6 (MANE Select); coding-DNA position 1304, one base duplicated (C; older notation c.1304dupC).
Protein change: p.Leu436fs; shifts the reading frame from leucine 436.
Molecular consequence: frameshift variant.
Genome position (GRCh38, 1-based): chr12:121,951,514, C duplicated; the last of 4 consecutive C bases (chr12:121,951,511-121,951,514); duplicating any one gives the same sequence. VCF-style (leftmost placement, unchanged base first): chr12-121951510-G-GC. GRCh37 (hg19) VCF-style: chr12-122389416-G-GC.
Other names: c.1304dupC (NM_144668.6); c.1304dup, p.Leu436fs (NM_001178003.2); short protein forms L436fs.
Identifiers: ClinVar variation 4845783 (VCV004845783.1).